The following is an entry in ClinVar:

ClinVar aggregate classification (germline): Uncertain significance (1 of 4 stars; one submission).

Conditions:
Melnick-Needles syndrome (MNS). Also called: MELNICK-NEEDLES OSTEODYSPLASTY; OSTEODYSPLASTY OF MELNICK AND NEEDLES; Melnick-Needles Syndrome (FLNA-MNS). Identifiers: Orphanet 2484, MedGen C0025237, MONDO:0010650, OMIM 309350.
Frontometaphyseal dysplasia (FMD1). Identifiers: Orphanet 1826, MedGen C0265293, MONDO:0015942.
Heterotopia, periventricular, X-linked dominant (PVNH1). Also called: PERIVENTRICULAR NODULAR HETEROTOPIA 1; X-linked periventricular heterotopia; PERIVENTRICULAR NODULAR HETEROTOPIA 4; HETEROTOPIA, PERIVENTRICULAR, 1. Identifiers: Orphanet 2149, Orphanet 82004, MedGen C1848213, MONDO:0010233, OMIM 300049.
Oto-palato-digital syndrome, type II (OPD2). Also called: FACIOPALATOOSSEOUS SYNDROME; OPD II SYNDROME; Otopalatodigital Syndrome, Type II; Otopalatodigital Syndrome Type 2 (FLNA-OPD2). Identifiers: Orphanet 669, Orphanet 90652, MedGen C1844696, MONDO:0010571, OMIM 304120.

Submission:

Labcorp Genetics (formerly Invitae), Labcorp
Classification: Uncertain significance for Oto-palato-digital syndrome, type II; Heterotopia, periventricular, X-linked dominant; Frontometaphyseal dysplasia; Melnick-Needles syndrome. Last evaluated: 2024-03-02. Review status: criteria provided, single submitter. Criteria: Invitae Variant Classification Sherloc (09022015). Collection method: clinical testing. Allele origin: germline.
Comment: This sequence change replaces glycine, which is neutral and non-polar, with alanine, which is neutral and non-polar, at codon 1720 of the FLNA protein (p.Gly1720Ala). This variant is not present in population databases (gnomAD no frequency). This variant has not been reported in the literature in individuals affected with FLNA-related conditions. Advanced modeling of protein sequence and biophysical properties (such as structural, functional, and spatial information, amino acid conservation, physicochemical variation, residue mobility, and thermodynamic stability) has been performed at Invitae for this missense variant, however the output from this modeling did not meet the statistical confidence thresholds required to predict the impact of this variant on FLNA protein function. In summary, the available evidence is currently insufficient to determine the role of this variant in disease. Therefore, it has been classified as a Variant of Uncertain Significance.

NM_001110556.2(FLNA):c.5183G>C (p.Gly1728Ala)

Gene: FLNA (filamin A; minus strand). Cytogenetic location: Xq28.
Variant type: single nucleotide variant.
Coding change: c.5183G>C on transcript NM_001110556.2 (MANE Select); coding-DNA position 5183, G replaced by C.
Protein change: p.Gly1728Ala; replaces glycine 1728 with alanine.
Molecular consequence: missense variant.
Genome position (GRCh38, 1-based): chrX:154,354,859, C>G on the plus strand (G>C on the coding strand, the complement: FLNA is on the minus strand). VCF-style: chrX-154354859-C-G. GRCh37 (hg19) VCF-style: chrX-153583227-C-G.
Other names: c.5159G>C, p.Gly1720Ala (NM_001456.4); short protein forms G1720A, G1728A.
Identifiers: ClinVar variation 3753981 (VCV003753981.2).
Genomic context (GRCh38, chrX:154,354,859, plus strand): 5'-CTGACCTACCCCCCACCCCTCCTCACCGTCACTTGGAAGGGGCTGTTGGGCACGTGCTCG[C>G]CACCAAAGCGCACACAGATGACGTATTTGCCCGGCTGGGGGGCCGTGTAGAAGATGTCGA-3'
Protein context (NP_001104026.1, residues 1718-1738): GKYVICVRFG[Gly1728Ala]EHVPNSPFQV